The following is an entry in ClinVar:

ClinVar aggregate classification (germline): Uncertain significance (1 of 4 stars; one submission).

Allele frequency attached by ClinVar (database versions not stated): gnomAD 0.00001; gnomAD exomes 0.00001.
gnomAD v4.1: 21 of 1,613,990 alleles (0.0013%); highest among the groups gnomAD compares: Non-Finnish European, 0.0017%; no homozygotes.

Submission:

Labcorp Genetics (formerly Invitae), Labcorp
Classification: Uncertain significance. Last evaluated: 2023-08-17. Review status: criteria provided, single submitter. Criteria: Invitae Variant Classification Sherloc (09022015). Collection method: clinical testing. Allele origin: germline.
Comment: This sequence change replaces aspartic acid, which is acidic and polar, with asparagine, which is neutral and polar, at codon 2023 of the HIVEP2 protein (p.Asp2023Asn). In summary, the available evidence is currently insufficient to determine the role of this variant in disease. Therefore, it has been classified as a Variant of Uncertain Significance. Advanced modeling of protein sequence and biophysical properties (such as structural, functional, and spatial information, amino acid conservation, physicochemical variation, residue mobility, and thermodynamic stability) performed at Invitae indicates that this missense variant is expected to disrupt HIVEP2 protein function. ClinVar contains an entry for this variant (Variation ID: 2049461). This variant has not been reported in the literature in individuals affected with HIVEP2-related conditions. This variant is present in population databases (no rsID available, gnomAD 0.007%).

NM_006734.4(HIVEP2):c.6067G>A (p.Asp2023Asn)

Gene: HIVEP2 (HIVEP zinc finger 2; minus strand). Cytogenetic location: 6q24.2.
Variant type: single nucleotide variant.
Coding change: c.6067G>A on transcript NM_006734.4 (MANE Select); coding-DNA position 6067, G replaced by A.
Protein change: p.Asp2023Asn; replaces aspartic acid 2023 with asparagine.
Molecular consequence: missense variant.
Genome position (GRCh38, 1-based): chr6:142,760,221, C>T on the plus strand (G>A on the coding strand, the complement: HIVEP2 is on the minus strand). VCF-style: chr6-142760221-C-T. GRCh37 (hg19) VCF-style: chr6-143081358-C-T.
Other names: short protein forms D2023N.
Identifiers: ClinVar variation 2049461 (VCV002049461.4), dbSNP rs1355794518, ClinGen allele CA365887922.